The following is an entry in ClinVar:

ClinVar aggregate classification (germline): Uncertain significance. Review status: criteria provided, multiple submitters, no conflicts (2 of 4 stars). 2 submissions from 2 submitters: Uncertain significance (2). Last evaluated 2022-10-26.

Allele frequency attached by ClinVar (database versions not stated): TOPMed below 0.00001.
gnomAD v4.1: 8 of 1,614,034 alleles (0.0005%); highest among the groups gnomAD compares: Non-Finnish European, 0.00068%; no homozygotes.

Submissions (2):

Labcorp Genetics (formerly Invitae), Labcorp
Classification: Uncertain significance. Last evaluated: 2022-10-26. Review status: criteria provided, single submitter. Criteria: Invitae Variant Classification Sherloc (09022015). Collection method: clinical testing. Allele origin: germline.
Comment: In summary, the available evidence is currently insufficient to determine the role of this variant in disease. Therefore, it has been classified as a Variant of Uncertain Significance. Algorithms developed to predict the effect of missense changes on protein structure and function (SIFT, PolyPhen-2, Align-GVGD) all suggest that this variant is likely to be disruptive. ClinVar contains an entry for this variant (Variation ID: 866257). This variant has not been reported in the literature in individuals affected with ZNF513-related conditions. This variant is not present in population databases (gnomAD no frequency). This sequence change replaces glutamic acid, which is acidic and polar, with glutamine, which is neutral and polar, at codon 175 of the ZNF513 protein (p.Glu175Gln).

Blueprint Genetics
Classification: Uncertain significance. Last evaluated: 2019-01-06. Review status: criteria provided, single submitter. Criteria: ACMG Guidelines, 2015. Collection method: clinical testing. Allele origin: germline.

NM_144631.6(ZNF513):c.523G>C (p.Glu175Gln)

Gene: ZNF513 (zinc finger protein 513; minus strand). Cytogenetic location: 2p23.3.
Variant type: single nucleotide variant.
Coding change: c.523G>C on transcript NM_144631.6 (MANE Select); coding-DNA position 523, G replaced by C.
Protein change: p.Glu175Gln; replaces glutamic acid 175 with glutamine.
Molecular consequence: missense variant.
Genome position (GRCh38, 1-based): chr2:27,378,743, C>G on the plus strand (G>C on the coding strand, the complement: ZNF513 is on the minus strand). VCF-style: chr2-27378743-C-G. GRCh37 (hg19) VCF-style: chr2-27601610-C-G.
Other names: c.337G>C, p.Glu113Gln (NM_001201459.2); short protein forms E175Q, E113Q.
Identifiers: ClinVar variation 866257 (VCV000866257.7), dbSNP rs1683475247, ClinGen allele CA346218201.